The following is an entry in ClinVar:

NM_001394372.1(BICRA):c.4059G>T (p.Pro1353=)

Gene: BICRA (BRD4 interacting chromatin remodeling complex associated protein; plus strand). Cytogenetic location: 19q13.33.
Variant type: single nucleotide variant.
Coding change: c.4059G>T on transcript NM_001394372.1 (MANE Select); coding-DNA position 4059, G replaced by T.
Protein change: p.Pro1353=; no amino-acid change (proline 1353 retained).
Molecular consequence: synonymous variant.
Genome position (GRCh38, 1-based): chr19:47,701,791, G>T. VCF-style: chr19-47701791-G-T. GRCh37 (hg19) VCF-style: chr19-48205048-G-T.
Other names: c.4059G>T, p.Pro1353= (NM_015711.3).
Identifiers: ClinVar variation 3771462 (VCV003771462.13).

ClinVar aggregate classification (germline): Likely benign (1 of 4 stars; one submission).

gnomAD v4.1: 34 of 1,534,680 alleles (0.0022%); highest among the groups gnomAD compares: Non-Finnish European, 0.0029%; no homozygotes.

Submission:

CeGaT Center for Human Genetics Tuebingen
Classification: Likely benign. Last evaluated: 2025-01-01. Review status: criteria provided, single submitter. Criteria: CeGaT Center For Human Genetics Tuebingen Variant Classification Criteria Version 2. Collection method: clinical testing. Allele origin: germline. Affected: yes. Observed: 1 variant allele.
Comment: BICRA: BP4, BP7